The following is an entry in ClinVar:

NM_001048174.2(MUTYH):c.996A>C (p.Arg332Ser)

Gene: MUTYH (mutY DNA glycosylase; minus strand). Cytogenetic location: 1p34.1.
Variant type: single nucleotide variant.
Coding change: c.996A>C on transcript NM_001048174.2 (MANE Select); coding-DNA position 996, A replaced by C.
Protein change: p.Arg332Ser; replaces arginine 332 with serine.
Molecular consequence: missense variant. On other transcripts: non-coding transcript variant (7).
Genome position (GRCh38, 1-based): chr1:45,331,767, T>G on the plus strand (A>C on the coding strand, the complement: MUTYH is on the minus strand). VCF-style: chr1-45331767-T-G. GRCh37 (hg19) VCF-style: chr1-45797439-T-G.
Other names: c.996A>C, p.Arg332Ser (NM_001048171.2, NM_001048173.2, NM_001293195.2 and 6 more transcripts); c.999A>C, p.Arg333Ser (NM_001048172.2, NM_001407071.1, NM_001407078.1 and 1 more transcripts); c.1080A>C, p.Arg360Ser (NM_001128425.2); c.1041A>C, p.Arg347Ser (NM_001293190.2); c.1029A>C, p.Arg343Ser (NM_001293191.2, NM_001407069.1, NM_001407077.1); c.720A>C, p.Arg240Ser (NM_001293192.2, NM_001293196.2, NM_001407091.1); c.651A>C, p.Arg217Ser (NM_001350650.2, NM_001350651.2, NM_001407082.1); c.912A>C, p.Arg304Ser (NM_001407075.1); and 5 more; short protein forms R318S, R343S, R304S, R347S, R319S, R339S, R360S, R217S.
Identifiers: ClinVar variation 4112987 (VCV004112987.1).

ClinVar aggregate classification (germline): Uncertain significance (1 of 4 stars; one submission).

Conditions:
Hereditary cancer-predisposing syndrome. Also called: Tumor predisposition; Neoplastic Syndromes, Hereditary; Hereditary neoplastic syndrome; Hereditary Cancer Syndrome. Identifiers: Orphanet 140162, MedGen C0027672, MeSH D009386, MONDO:0015356.

Submission:

Ambry Genetics
Classification: Uncertain significance for Hereditary cancer-predisposing syndrome. Last evaluated: 2025-08-27. Review status: criteria provided, single submitter. Criteria: Ambry Variant Classification Scheme 2023. Collection method: clinical testing. Allele origin: germline.
Comment: The p.R360S variant (also known as c.1080A>C), located in coding exon 12 of the MUTYH gene, results from an A to C substitution at nucleotide position 1080. The arginine at codon 360 is replaced by serine, an amino acid with dissimilar properties. This amino acid position is conserved. In addition, the in silico prediction for this alteration is inconclusive. Based on the available evidence, the clinical significance of this variant remains unclear.